The following is an entry in ClinVar:

ClinVar aggregate classification (germline): Pathogenic (1 of 4 stars; one submission).

Submission:

Labcorp Genetics (formerly Invitae), Labcorp
Classification: Pathogenic. Last evaluated: 2025-04-28. Review status: criteria provided, single submitter. Criteria: Invitae Variant Classification Sherloc (09022015). Collection method: clinical testing. Allele origin: germline.
Comment: This sequence change affects the initiator codon of the DDX3X mRNA. This change may impact translation initiation or efficiency. The next in-frame methionine is located at codon 187. This variant is not present in population databases (gnomAD no frequency). Disruption of the initiator codon has been observed in individual(s) with DDX3X-related conditions (PMID: 33993884). ClinVar contains an entry for this variant (Variation ID: 2706048). Algorithms developed to predict the effect of sequence changes on RNA splicing suggest that this variant may disrupt the consensus splice site. This variant disrupts a region of the DDX3X protein in which other variant(s) (p.Tyr38Cys) have been determined to be pathogenic (internal data). This suggests that this is a clinically significant region of the protein, and that variants that disrupt it are likely to be disease-causing. For these reasons, this variant has been classified as Pathogenic.

Literature cited by the submitters: PubMed 33993884.

NM_001356.5(DDX3X):c.1A>G (p.Met1Val)

Gene: DDX3X (DEAD-box helicase 3 X-linked; plus strand). Cytogenetic location: Xp11.4.
Variant type: single nucleotide variant.
Coding change: c.1A>G on transcript NM_001356.5 (MANE Select); coding-DNA position 1, A replaced by G.
Protein change: p.Met1Val; changes the start codon (methionine 1).
Molecular consequence: missense variant, initiator codon variant. On other transcripts: 5 prime UTR variant (1), non-coding transcript variant (2).
Genome position (GRCh38, 1-based): chrX:41,334,253, A>G. VCF-style: chrX-41334253-A-G. GRCh37 (hg19) VCF-style: chrX-41193506-A-G.
Other names: c.1A>G, p.Met1Val (NM_001193416.3, NM_001193417.3); c.-1903A>G (NM_001363819.1); short protein forms M1V.
Identifiers: ClinVar variation 2706048 (VCV002706048.3), dbSNP rs2519481019, ClinGen allele CA412761404.